The following is an entry in ClinVar:

NM_005089.4(ZRSR2):c.748G>A (p.Val250Met)

Gene: ZRSR2 (zinc finger CCCH-type, RNA binding motif and serine/arginine rich 2; plus strand). Cytogenetic location: Xp22.2.
Variant type: single nucleotide variant.
Coding change: c.748G>A on transcript NM_005089.4 (MANE Select); coding-DNA position 748, G replaced by A.
Protein change: p.Val250Met; replaces valine 250 with methionine.
Molecular consequence: missense variant.
Genome position (GRCh38, 1-based): chrX:15,815,867, G>A. VCF-style: chrX-15815867-G-A. GRCh37 (hg19) VCF-style: chrX-15833990-G-A.
Other names: short protein forms V250M.
Identifiers: ClinVar variation 135497 (VCV000135497.1), dbSNP rs587778767, ClinGen allele CA162950.

ClinVar aggregate classification (germline): not provided (0 of 4 stars; one submission).

Allele frequency attached by ClinVar (database versions not stated): ExAC 0.00001; gnomAD exomes 0.00001; gnomAD 0.00003; TOPMed 0.00003; 1000 Genomes Project 30x 0.00021; 1000 Genomes Project 0.00026.
gnomAD v4.1: 8 of 1,205,528 alleles (0.00066%); highest among the groups gnomAD compares: African/African-American, 0.0088%; no homozygotes.

Submission:

ITMI
No classification provided. Condition: AllHighlyPenetrant. Last evaluated: 2013-09-19. Review status: no classification provided. Collection method: reference population. Allele origin: germline.
Comment: Please see associated publication for description of ethnicities

Literature cited by the submitters: PubMed 24728327.